The following is an entry in ClinVar:

NM_002693.3(POLG):c.3538T>C (p.Phe1180Leu)

Gene: POLG (DNA polymerase gamma, catalytic subunit; minus strand). Cytogenetic location: 15q26.1.
Variant type: single nucleotide variant.
Coding change: c.3538T>C on transcript NM_002693.3 (MANE Select); coding-DNA position 3538, T replaced by C.
Protein change: p.Phe1180Leu; replaces phenylalanine 1180 with leucine.
Molecular consequence: missense variant.
Genome position (GRCh38, 1-based): chr15:89,317,481, A>G on the plus strand (T>C on the coding strand, the complement: POLG is on the minus strand). VCF-style: chr15-89317481-A-G. GRCh37 (hg19) VCF-style: chr15-89860712-A-G.
Other names: c.3538T>C, p.Phe1180Leu (NM_001126131.2); short protein forms F1180L.
Identifiers: ClinVar variation 3672638 (VCV003672638.2).

ClinVar aggregate classification (germline): Uncertain significance (1 of 4 stars; one submission).

Conditions:
Progressive sclerosing poliodystrophy (MTDPS4A). Also called: ALPERS PROGRESSIVE INFANTILE POLIODYSTROPHY; NEURONAL DEGENERATION OF CHILDHOOD WITH LIVER DISEASE, PROGRESSIVE; Alpers Syndrome; ALPERS DIFFUSE DEGENERATION OF CEREBRAL GRAY MATTER WITH HEPATIC CIRRHOSIS; Alpers-Huttenlocher Syndrome; Mitochondrial DNA depletion syndrome 4A (Alpers type). Identifiers: Orphanet 726, MedGen C0205710, MONDO:0008758, OMIM 203700.

Submission:

Labcorp Genetics (formerly Invitae), Labcorp
Classification: Uncertain significance for Progressive sclerosing poliodystrophy. Last evaluated: 2024-07-17. Review status: criteria provided, single submitter. Criteria: Invitae Variant Classification Sherloc (09022015). Collection method: clinical testing. Allele origin: germline.
Comment: This sequence change replaces phenylalanine, which is neutral and non-polar, with leucine, which is neutral and non-polar, at codon 1180 of the POLG protein (p.Phe1180Leu). This variant is not present in population databases (gnomAD no frequency). This variant has not been reported in the literature in individuals affected with POLG-related conditions. Advanced modeling of protein sequence and biophysical properties (such as structural, functional, and spatial information, amino acid conservation, physicochemical variation, residue mobility, and thermodynamic stability) performed at Invitae indicates that this missense variant is expected to disrupt POLG protein function with a positive predictive value of 95%. In summary, the available evidence is currently insufficient to determine the role of this variant in disease. Therefore, it has been classified as a Variant of Uncertain Significance.